The following is an entry in ClinVar:

ClinVar aggregate classification (germline): Uncertain significance (1 of 4 stars; one submission).

Conditions:
Primary ciliary dyskinesia. Also called: Ciliary dyskinesia. Identifiers: Orphanet 244, MedGen C0008780, MONDO:0016575, HP:0012265.

Submission:

Labcorp Genetics (formerly Invitae), Labcorp
Classification: Uncertain significance for Primary ciliary dyskinesia. Last evaluated: 2022-03-18. Review status: criteria provided, single submitter. Criteria: Invitae Variant Classification Sherloc (09022015). Collection method: clinical testing. Allele origin: germline.
Comment: Algorithms developed to predict the effect of sequence changes on RNA splicing suggest that this variant may create or strengthen a splice site. In summary, the available evidence is currently insufficient to determine the role of this variant in disease. Therefore, it has been classified as a Variant of Uncertain Significance. Advanced modeling of protein sequence and biophysical properties (such as structural, functional, and spatial information, amino acid conservation, physicochemical variation, residue mobility, and thermodynamic stability) performed at Invitae indicates that this missense variant is not expected to disrupt DNAH11 protein function. This variant has not been reported in the literature in individuals affected with DNAH11-related conditions. This variant is not present in population databases (gnomAD no frequency). This sequence change replaces aspartic acid, which is acidic and polar, with tyrosine, which is neutral and polar, at codon 3651 of the DNAH11 protein (p.Asp3651Tyr).

NM_001277115.2(DNAH11):c.10951G>T (p.Asp3651Tyr)

Gene: DNAH11 (dynein axonemal heavy chain 11; plus strand). Cytogenetic location: 7p15.3.
Variant type: single nucleotide variant.
Coding change: c.10951G>T on transcript NM_001277115.2 (MANE Select); coding-DNA position 10951, G replaced by T.
Protein change: p.Asp3651Tyr; replaces aspartic acid 3651 with tyrosine.
Molecular consequence: missense variant.
Genome position (GRCh38, 1-based): chr7:21,852,521, G>T. VCF-style: chr7-21852521-G-T. GRCh37 (hg19) VCF-style: chr7-21892139-G-T.
Other names: c.10972G>T, p.Asp3658Tyr (NM_003777.3); short protein forms D3651Y, D3658Y.
Identifiers: ClinVar variation 2080360 (VCV002080360.4), dbSNP rs2535463980, ClinGen allele CA366958971.
Genomic context (GRCh38, chr7:21,852,521, plus strand): 5'-TATTAGTTGGTATTGACAAAGCACCAAAATGATTTTAAAATTGAGCTCAAGTATCTGGAA[G>T]ACGATCTCCTTTTGCGCCTTTCTGCGGCAGAGGGAAGCTTTCTGGATGACACCAAACTGG-3'
Protein context (NP_001264044.1, residues 3641-3661): DFKIELKYLE[Asp3651Tyr]DLLLRLSAAE